The following is an entry in ClinVar:

ClinVar aggregate classification (germline): Benign. Review status: criteria provided, multiple submitters, no conflicts (2 of 4 stars). 5 submissions from 5 submitters: Benign (5). Last evaluated 2026-02-01.

Conditions:
Wagner disease. Also called: HYALOIDEORETINAL DEGENERATION OF WAGNER; WAGNER VITREORETINAL DEGENERATION; WAGNER VITREORETINOPATHY; WAGNER SYNDROME 1; Wagner Vitreoretinal Degeneration (Wagner Synrdome); Wagner syndrome. Identifiers: Orphanet 898, MedGen C1840452, MONDO:0007740, OMIM 143200.
Vitreoretinopathy. Also called: Vitreoretinal degeneration. Identifiers: MedGen C0344290, MONDO:0020248, HP:0007773.

Allele frequency attached by ClinVar (database versions not stated): gnomAD 0.02548 and 0.02711; TOPMed 0.02733; ESP Exome Variant Server 0.02914; 1000 Genomes Project 0.03075; 1000 Genomes Project 30x 0.03326.

Submissions (5):

Labcorp Genetics (formerly Invitae), Labcorp
Classification: Benign. Last evaluated: 2026-02-01. Review status: criteria provided, single submitter. Criteria: Invitae Variant Classification Sherloc (09022015). Collection method: clinical testing. Allele origin: germline.

Blueprint Genetics
Classification: Benign. Last evaluated: 2024-11-26. Review status: criteria provided, single submitter. Criteria: ACMG Guidelines, 2015. Collection method: clinical testing. Allele origin: germline.

ARUP Laboratories, Molecular Genetics and Genomics, ARUP Laboratories
Classification: Benign for Wagner disease. Last evaluated: 2023-11-08. Review status: criteria provided, single submitter. Criteria: ARUP Molecular Germline Variant Investigation Process 2024. Collection method: clinical testing. Allele origin: germline.

GeneDx
Classification: Benign. Last evaluated: 2018-10-02. Review status: criteria provided, single submitter. Criteria: GeneDx Variant Classification Process June 2021. Collection method: clinical testing. Allele origin: germline. Affected: yes.

Illumina Laboratory Services, Illumina
Classification: Benign for Vitreoretinopathy. Last evaluated: 2018-01-13. Review status: criteria provided, single submitter. Criteria: ICSL Variant Classification Criteria 13 December 2019. Collection method: clinical testing. Allele origin: germline.
Comment: This variant was observed in the ICSL laboratory as part of a predisposition screen in an ostensibly healthy population. It had not been previously curated by ICSL or reported in the Human Gene Mutation Database (HGMD: prior to June 1st, 2018), and was therefore a candidate for classification through an automated scoring system. Utilizing variant allele frequency, disease prevalence and penetrance estimates, and inheritance mode, an automated score was calculated to assess if this variant is too frequent to cause the disease. Based on the score and internal cut-off values, a variant classified as benign is not then subjected to further curation. The score for this variant resulted in a classification of benign for this disease.

NM_004385.5(VCAN):c.8090G>A (p.Arg2697His)

Genes: VCAN (versican; plus strand), VCAN-AS1 (VCAN antisense RNA 1; minus strand). Cytogenetic location: 5q14.3.
Variant type: single nucleotide variant.
Coding change: c.8090G>A on transcript NM_004385.5 (MANE Select); coding-DNA position 8090, G replaced by A.
Protein change: p.Arg2697His; replaces arginine 2697 with histidine.
Molecular consequence: missense variant. On other transcripts: intron variant (2).
Genome position (GRCh38, 1-based): chr5:83,541,093, G>A. VCF-style: chr5-83541093-G-A. GRCh37 (hg19) VCF-style: chr5-82836912-G-A.
Other names: c.5129G>A, p.Arg1710His (NM_001164097.2); c.4004-4444G>A (NM_001164098.2); c.1043-4444G>A (NM_001126336.3); short protein forms R2697H, R1710H.
Identifiers: ClinVar variation 354455 (VCV000354455.19), dbSNP rs61733389, ClinGen allele CA3333749.